The following is an entry in ClinVar:

NM_015168.2(ZC3H4):c.912C>T (p.Asp304=)

Gene: ZC3H4 (zinc finger CCCH-type containing 4; minus strand). Cytogenetic location: 19q13.32.
Variant type: single nucleotide variant.
Coding change: c.912C>T on transcript NM_015168.2 (MANE Select); coding-DNA position 912, C replaced by T.
Protein change: p.Asp304=; no amino-acid change (aspartic acid 304 retained).
Molecular consequence: synonymous variant.
Genome position (GRCh38, 1-based): chr19:47,085,373, G>A on the plus strand (C>T on the coding strand, the complement: ZC3H4 is on the minus strand). VCF-style: chr19-47085373-G-A. GRCh37 (hg19) VCF-style: chr19-47588630-G-A.
Identifiers: ClinVar variation 769024 (VCV000769024.7), dbSNP rs79924172, ClinGen allele CA9535420.

ClinVar aggregate classification (germline): Benign. Review status: criteria provided, multiple submitters, no conflicts (2 of 4 stars). 3 submissions from 3 submitters: Benign (2). 1 of the submissions does not count toward it. Last evaluated 2019-12-31.

Conditions:
ZC3H4-related disorder. Also called: ZC3H4-related condition.

Allele frequency attached by ClinVar (database versions not stated): gnomAD exomes 0.00254 and 0.00717; ExAC 0.00864; gnomAD 0.02664 and 0.02841; 1000 Genomes Project 0.02815; 1000 Genomes Project 30x 0.02889; TOPMed 0.02985; ESP Exome Variant Server 0.03105.
gnomAD v4.1: 7,924 of 1,601,776 alleles (0.49%); highest among the groups gnomAD compares: African/African-American, 9.4%; 383 homozygotes.

Submissions (3):

Labcorp Genetics (formerly Invitae), Labcorp
Classification: Benign. Last evaluated: 2019-12-31. Review status: criteria provided, single submitter. Criteria: Invitae Variant Classification Sherloc (09022015). Collection method: clinical testing. Allele origin: germline.

Breakthrough Genomics
Classification: Benign. Review status: criteria provided, single submitter. Criteria: ACMG Guidelines, 2015. Collection method: not provided. Allele origin: germline. Inheritance: Unknown mechanism. Affected: yes.

PreventionGenetics, part of Exact Sciences
Classification: Benign for ZC3H4-related condition. Last evaluated: 2020-02-07. Review status: no assertion criteria provided. Collection method: clinical testing. Allele origin: germline. Not counted in ClinVar's aggregate classification.
Comment: This variant is classified as benign based on ACMG/AMP sequence variant interpretation guidelines (Richards et al. 2015 PMID: 25741868, with internal and published modifications).